The following is an entry in ClinVar:

NM_020207.7(ERCC6L2):c.1441C>G (p.Gln481Glu)

Gene: ERCC6L2 (ERCC excision repair 6 like 2; plus strand). Cytogenetic location: 9q22.32.
Variant type: single nucleotide variant.
Coding change: c.1441C>G on transcript NM_020207.7 (MANE Select); coding-DNA position 1441, C replaced by G.
Protein change: p.Gln481Glu; replaces glutamine 481 with glutamic acid.
Molecular consequence: missense variant. On other transcripts: non-coding transcript variant (1).
Genome position (GRCh38, 1-based): chr9:95,923,287, C>G. VCF-style: chr9-95923287-C-G. GRCh37 (hg19) VCF-style: chr9-98685569-C-G.
Other names: c.1441C>G, p.Gln481Glu (NM_001010895.4, NM_001375291.1, NM_001375292.1 and 2 more transcripts); short protein forms Q481E.
Identifiers: ClinVar variation 4019377 (VCV004019377.1).

ClinVar aggregate classification (germline): Uncertain significance (1 of 4 stars; one submission).

Conditions:
Inborn genetic diseases. Identifiers: MedGen C0950123, MeSH D030342.

gnomAD v4.1: 1 of 1,613,530 alleles (0.000062%); highest among the groups gnomAD compares: South Asian, 0.0011%; no homozygotes.

Submission:

Ambry Genetics
Classification: Uncertain significance for Inborn genetic diseases. Last evaluated: 2025-05-24. Review status: criteria provided, single submitter. Criteria: Ambry Variant Classification Scheme 2023. Collection method: clinical testing. Allele origin: germline.
Comment: The p.Q481E variant (also known as c.1441C>G), located in coding exon 9 of the ERCC6L2 gene, results from a C to G substitution at nucleotide position 1441. The glutamine at codon 481 is replaced by glutamic acid, an amino acid with highly similar properties. This amino acid position is conserved. In addition, this alteration is predicted to be tolerated by in silico analysis. Based on the available evidence, the clinical significance of this variant remains unclear.